The following is an entry in ClinVar:

NM_004415.4(DSP):c.1087C>T (p.Gln363Ter)

Gene: DSP (desmoplakin; plus strand). Cytogenetic location: 6p24.3.
Variant type: single nucleotide variant.
Coding change: c.1087C>T on transcript NM_004415.4 (MANE Select); coding-DNA position 1087, C replaced by T.
Protein change: p.Gln363Ter; replaces glutamine 363 with a stop codon.
Molecular consequence: nonsense.
Genome position (GRCh38, 1-based): chr6:7,567,396, C>T. VCF-style: chr6-7567396-C-T. GRCh37 (hg19) VCF-style: chr6-7567629-C-T.
Other names: c.1087C>T (LRG_423t1); c.1087C>T, p.Gln363Ter (NM_001008844.3, NM_001319034.2); short protein forms Q363*.
Identifiers: ClinVar variation 518907 (VCV000518907.12), dbSNP rs778856526, ClinGen allele CA362675621.

ClinVar aggregate classification (germline): Pathogenic. Review status: criteria provided, multiple submitters, no conflicts (2 of 4 stars). 2 submissions from 2 submitters: Pathogenic (2). Last evaluated 2024-03-07.

Conditions:
Cardiovascular phenotype. Identifiers: MedGen CN230736.
Arrhythmogenic cardiomyopathy with wooly hair and keratoderma. Also called: PALMOPLANTAR KERATODERMA WITH LEFT VENTRICULAR CARDIOMYOPATHY AND WOOLLY HAIR; Arrhythmogenic cardiomyopathy with woolly hair and keratoderma; Dilated cardiomyopathy with woolly hair and keratoderma; Carvajal syndrome. Identifiers: Orphanet 65282, MedGen C1854063, MONDO:0011581, OMIM 605676.
Arrhythmogenic right ventricular dysplasia 8 (ARVD8). Also called: ARRHYTHMOGENIC RIGHT VENTRICULAR CARDIOMYOPATHY 8; ARRHYTHMOGENIC RIGHT VENTRICULAR DYSPLASIA, FAMILIAL, 8; Arrhythmogenic Right Ventricular Dysplasia/Cardiomyopathy 8. Identifiers: MedGen C1843896, MONDO:0011831, OMIM 607450.

Submissions (2):

Labcorp Genetics (formerly Invitae), Labcorp
Classification: Pathogenic for Arrhythmogenic cardiomyopathy with wooly hair and keratoderma; Arrhythmogenic right ventricular dysplasia 8. Last evaluated: 2024-03-07. Review status: criteria provided, single submitter. Criteria: Invitae Variant Classification Sherloc (09022015). Collection method: clinical testing. Allele origin: germline.
Comment: This sequence change creates a premature translational stop signal (p.Gln363*) in the DSP gene. It is expected to result in an absent or disrupted protein product. Loss-of-function variants in DSP are known to be pathogenic (PMID: 20716751, 24503780, 25227139). This variant is not present in population databases (gnomAD no frequency). This variant has not been reported in the literature in individuals affected with DSP-related conditions. ClinVar contains an entry for this variant (Variation ID: 518907). Algorithms developed to predict the effect of sequence changes on RNA splicing suggest that this variant may disrupt the consensus splice site. For these reasons, this variant has been classified as Pathogenic.

Ambry Genetics
Classification: Pathogenic for Cardiovascular phenotype. Last evaluated: 2016-04-18. Review status: criteria provided, single submitter. Criteria: Ambry Variant Classification Scheme 2023. Collection method: clinical testing. Allele origin: germline.
Comment: The p.Q363* variant (also known as c.1087C>T), located in coding exon 9 of the DSP gene, results from a C to T substitution at nucleotide position 1087. This changes the amino acid from a glutamine to a stop codon within coding exon 9. Truncating alterations in DSP have been reported in patients with arrhythmogenic right ventricular cardiomyopathy (ARVC) and dilated cardiomyopathy (DCM) (Fressart V et al. Europace. 2010;12(6):861-8; Elliott P et al. Circ Cardiovasc Genet. 2010;3(4):314-22; Quarta G et al. Circulation. 2011;123(23):2701-9; Garcia-Pavia P et al. Heart. 2011;97(21):1744-52; Rasmussen TB et al. Clin Genet. 2013;84(1):20-30; Pugh TJ et al. Genet Med. 2014;16(8):601-8). The functional mechanism of DSP truncations leading to ARVC or DCM is not well understood; however, premature stop codons are typically deleterious in nature (ACMG Standards and guidelines for the interpretation of sequence variants. Genet Med. 2015;17(5):405-24). As such, this variant is classified as a pathogenic mutation.

Literature cited by the submitters: PubMed 20716751 (cited by Labcorp Genetics (formerly Invitae), Labcorp); PubMed 24503780 (cited by Labcorp Genetics (formerly Invitae), Labcorp); PubMed 25227139 (cited by Labcorp Genetics (formerly Invitae), Labcorp).